The following is an entry in ClinVar:

NM_000390.4(CHM):c.1273C>T (p.Gln425Ter)

Gene: CHM (CHM Rab escort protein; minus strand). Cytogenetic location: Xq21.2.
Variant type: single nucleotide variant.
Coding change: c.1273C>T on transcript NM_000390.4 (MANE Select); coding-DNA position 1273, C replaced by T.
Protein change: p.Gln425Ter; replaces glutamine 425 with a stop codon.
Molecular consequence: nonsense.
Genome position (GRCh38, 1-based): chrX:85,901,160, G>A on the plus strand (C>T on the coding strand, the complement: CHM is on the minus strand). VCF-style: chrX-85901160-G-A. GRCh37 (hg19) VCF-style: chrX-85156165-G-A.
Other names: c.829C>T, p.Gln277Ter (NM_001320959.1, NM_001362517.1, NM_001362518.2 and 1 more transcripts); short protein forms Q277*, Q425*.
Identifiers: ClinVar variation 961715 (VCV000961715.7), dbSNP rs1926263167, ClinGen allele CA413789861.
Genomic context (GRCh38, chrX:85,901,160, plus strand): 5'-AGCACATGTTCTCAGGAAAGTAACTGTCCTCCACGAGGAAATGCTCAGAGATTATTCTCT[G>A]ACCAAACTGATCTATAATTGCTTTACATCTATAAAGAAGATAAGCATACCATAAAAGTTC-3'

ClinVar aggregate classification (germline): Pathogenic (1 of 4 stars; one submission).

Submission:

Labcorp Genetics (formerly Invitae), Labcorp
Classification: Pathogenic. Last evaluated: 2024-02-24. Review status: criteria provided, single submitter. Criteria: Invitae Variant Classification Sherloc (09022015). Collection method: clinical testing. Allele origin: germline.
Comment: This sequence change creates a premature translational stop signal (p.Gln425*) in the CHM gene. It is expected to result in an absent or disrupted protein product. Loss-of-function variants in CHM are known to be pathogenic (PMID: 9067750, 23811034). This variant is not present in population databases (gnomAD no frequency). This premature translational stop signal has been observed in individual(s) with choroideremia (PMID: 16936131, 25912515). ClinVar contains an entry for this variant (Variation ID: 961715). Algorithms developed to predict the effect of sequence changes on RNA splicing suggest that this variant may disrupt the consensus splice site. For these reasons, this variant has been classified as Pathogenic.

Literature cited by the submitters: PubMed 9067750; PubMed 23811034; PubMed 16936131; PubMed 25912515.